The following is an entry in ClinVar:

NM_007294.4(BRCA1):c.4986+1349G>T

Gene: BRCA1 (BRCA1 DNA repair associated; minus strand). Cytogenetic location: 17q21.31.
Variant type: single nucleotide variant.
Coding change: c.4986+1349G>T on transcript NM_007294.4 (MANE Select); 1349 bases into the intron after coding-DNA position 4986, G replaced by T.
Molecular consequence: intron variant.
Genome position (GRCh38, 1-based): chr17:43,069,579, C>A on the plus strand (G>T on the coding strand, the complement: BRCA1 is on the minus strand). VCF-style: chr17-43069579-C-A. GRCh37 (hg19) VCF-style: chr17-41221596-C-A.
Other names: IVS 16+1349G>T; c.4716+1349G>T (NM_001407935.1, NM_001407936.1, NM_001407934.1); c.4722+1349G>T (NM_001407926.1, NM_001407924.1, NM_001407920.1 and 4 more transcripts); c.4839+1349G>T (NM_001407851.1, NM_001407849.1, NM_001407845.1 and 12 more transcripts); c.4842+1349G>T (NM_001407735.1, NM_001407744.1, NM_001407750.1 and 21 more transcripts); c.4845+1349G>T (NM_001407729.1, NM_001407698.1, NM_001407942.1 and 13 more transcripts); c.4773+1349G>T (NM_001407899.1, NM_001407895.1, NM_001407910.1 and 12 more transcripts); c.1347+1349G>T (NM_001408507.1); and 72 more.
Identifiers: ClinVar variation 209355 (VCV000209355.4), dbSNP rs8176225, ClinGen allele CA276327.

ClinVar aggregate classification (germline): Benign. Review status: reviewed by expert panel (3 of 4 stars). 2 submissions from 2 submitters: Benign (1). 1 of the submissions does not count toward it. Last evaluated 2015-01-12.

Conditions:
Breast-ovarian cancer, familial, susceptibility to, 1 (BROVCA1). Also called: BRCA1 Hereditary Breast and Ovarian Cancer; OVARIAN CANCER, SUSCEPTIBILITY TO. Identifiers: Orphanet 145, MedGen C2676676, MONDO:0011450, OMIM 604370. Disease mechanism: loss of function.
Hereditary cancer-predisposing syndrome. Also called: Tumor predisposition; Hereditary Cancer Syndrome; Neoplastic Syndromes, Hereditary; Hereditary neoplastic syndrome. Identifiers: Orphanet 140162, MedGen C0027672, MeSH D009386, MONDO:0015356.

Allele frequency attached by ClinVar (database versions not stated): gnomAD 0.01484 and 0.01574; TOPMed 0.01721; 1000 Genomes Project 0.01797; 1000 Genomes Project 30x 0.01936.
gnomAD v4.1: 2,233 of 152,214 alleles (1.5%); highest among the groups gnomAD compares: African/African-American, 5.1%; 47 homozygotes.

Submissions (2):

Evidence-based Network for the Interpretation of Germline Mutant Alleles (ENIGMA)
Classification: Benign for Breast-ovarian cancer, familial 1. Last evaluated: 2015-01-12. Review status: reviewed by expert panel. Criteria: ENIGMA BRCA1/2 Classification Criteria (2015). Collection method: curation. Allele origin: germline.
Comment: Class 1 not pathogenic based on frequency >1% in an outbred sampleset. Frequency 0.05285 (African), derived from 1000 genomes (2012-04-30).

University of Washington Department of Laboratory Medicine, University of Washington
Classification: Likely benign for Hereditary cancer-predisposing syndrome. Last evaluated: 2015-12-01. Review status: no assertion criteria provided. Collection method: clinical testing. Allele origin: germline. Affected: yes. Not counted in ClinVar's aggregate classification.